The following is an entry in ClinVar:

NM_014516.4(CNOT3):c.1277C>T (p.Ala426Val)

Gene: CNOT3 (CCR4-NOT transcription complex subunit 3; plus strand). Cytogenetic location: 19q13.42.
Variant type: single nucleotide variant.
Coding change: c.1277C>T on transcript NM_014516.4 (MANE Select); coding-DNA position 1277, C replaced by T.
Protein change: p.Ala426Val; replaces alanine 426 with valine.
Molecular consequence: missense variant.
Genome position (GRCh38, 1-based): chr19:54,148,530, C>T. VCF-style: chr19-54148530-C-T. GRCh37 (hg19) VCF-style: chr19-54652265-C-T.
Other names: c.1277C>T (NM_014516.3); short protein forms A426V.
Identifiers: ClinVar variation 1694941 (VCV001694941.37), dbSNP rs181910878, ClinGen allele CA309339687.

ClinVar aggregate classification (germline): Benign/Likely benign. Review status: criteria provided, multiple submitters, no conflicts (2 of 4 stars). 3 submissions from 3 submitters: Benign (1); Likely benign (1). 1 of the submissions does not count toward it. Last evaluated 2026-07-01.

Conditions:
CNOT3-related disorder. Also called: CNOT3-related condition.

Allele frequency attached by ClinVar (database versions not stated): 1000 Genomes Project 30x 0.00078; 1000 Genomes Project 0.00080; ESP Exome Variant Server 0.00214; gnomAD exomes 0.00320 and 0.00428; TOPMed 0.00329; gnomAD 0.00331 and 0.00345; ExAC 0.00500.
gnomAD v4.1: 5,124 of 1,563,026 alleles (0.33%); highest among the groups gnomAD compares: Non-Finnish European, 0.29%; 32 homozygotes.

Submissions (3):

CeGaT Center for Human Genetics Tuebingen
Classification: Likely benign. Last evaluated: 2026-07-01. Review status: criteria provided, single submitter. Criteria: CeGaT Center For Human Genetics Tuebingen Variant Classification Criteria Version 2. Collection method: clinical testing. Allele origin: germline. Affected: yes. Observed: 19 variant alleles.
Comment: CNOT3: BS1

Labcorp Genetics (formerly Invitae), Labcorp
Classification: Benign. Last evaluated: 2026-01-06. Review status: criteria provided, single submitter. Criteria: Invitae Variant Classification Sherloc (09022015). Collection method: clinical testing. Allele origin: germline.

PreventionGenetics, part of Exact Sciences
Classification: Benign for CNOT3-related condition. Last evaluated: 2020-11-10. Review status: no assertion criteria provided. Collection method: clinical testing. Allele origin: germline. Not counted in ClinVar's aggregate classification.
Comment: This variant is classified as benign based on ACMG/AMP sequence variant interpretation guidelines (Richards et al. 2015 PMID: 25741868, with internal and published modifications).